The following is an entry in ClinVar:

NM_001111125.3(IQSEC2):c.2621A>G (p.Gln874Arg)

Gene: IQSEC2 (IQ motif and Sec7 domain ArfGEF 2; minus strand). Cytogenetic location: Xp11.22.
Variant type: single nucleotide variant.
Coding change: c.2621A>G on transcript NM_001111125.3 (MANE Select); coding-DNA position 2621, A replaced by G.
Protein change: p.Gln874Arg; replaces glutamine 874 with arginine.
Molecular consequence: missense variant.
Genome position (GRCh38, 1-based): chrX:53,247,097, T>C on the plus strand (A>G on the coding strand, the complement: IQSEC2 is on the minus strand). VCF-style: chrX-53247097-T-C. GRCh37 (hg19) VCF-style: chrX-53276279-T-C.
Other names: c.2621A>G, p.Gln874Arg (NM_001410736.1); c.2006A>G, p.Gln669Arg (NM_015075.2); short protein forms Q874R, Q669R.
Identifiers: ClinVar variation 2989914 (VCV002989914.3), dbSNP rs2074318452, ClinGen allele CA413156298.

ClinVar aggregate classification (germline): Uncertain significance (1 of 4 stars; one submission).

Conditions:
Intellectual developmental disorder, X-linked 1. Also called: Atkin Flaitz Patil Smith syndrome; Intellectual disability, X-linked 1; MENTAL RETARDATION, X-LINKED 18; MENTAL RETARDATION, X-LINKED 78. Identifiers: Orphanet 777, MedGen C2931498, MONDO:0010656, OMIM 309530.

Allele frequency attached by ClinVar (database versions not stated): gnomAD exomes below 0.00001.
gnomAD v4.1: 1 of 1,211,059 alleles (0.000083%); highest among the groups gnomAD compares: East Asian, 0.003%; no homozygotes.

Submission:

Labcorp Genetics (formerly Invitae), Labcorp
Classification: Uncertain significance for Intellectual developmental disorder, X-linked 1. Last evaluated: 2023-04-22. Review status: criteria provided, single submitter. Criteria: Invitae Variant Classification Sherloc (09022015). Collection method: clinical testing. Allele origin: germline.
Comment: This sequence change replaces glutamine, which is neutral and polar, with arginine, which is basic and polar, at codon 874 of the IQSEC2 protein (p.Gln874Arg). This variant is not present in population databases (gnomAD no frequency). This variant has not been reported in the literature in individuals affected with IQSEC2-related conditions. Advanced modeling of protein sequence and biophysical properties (such as structural, functional, and spatial information, amino acid conservation, physicochemical variation, residue mobility, and thermodynamic stability) performed at Invitae indicates that this missense variant is not expected to disrupt IQSEC2 protein function. In summary, the available evidence is currently insufficient to determine the role of this variant in disease. Therefore, it has been classified as a Variant of Uncertain Significance.